The following is an entry in ClinVar:

ClinVar aggregate classification (germline): Uncertain significance (1 of 4 stars; one submission).

Submission:

Labcorp Genetics (formerly Invitae), Labcorp
Classification: Uncertain significance. Last evaluated: 2025-06-02. Review status: criteria provided, single submitter. Criteria: Invitae Variant Classification Sherloc (09022015). Collection method: clinical testing. Allele origin: germline.
Comment: This sequence change falls in intron 2 of the JAM3 gene. It does not directly change the encoded amino acid sequence of the JAM3 protein. It affects a nucleotide within the consensus splice site. This variant is present in population databases (rs776667136, gnomAD 0.01%). This variant has not been reported in the literature in individuals affected with JAM3-related conditions. Variants that disrupt the consensus splice site are a relatively common cause of aberrant splicing (PMID: 17576681, 9536098). Algorithms developed to predict the effect of sequence changes on RNA splicing suggest that this variant may disrupt the consensus splice site. In summary, the available evidence is currently insufficient to determine the role of this variant in disease. Therefore, it has been classified as a Variant of Uncertain Significance.

Literature cited by the submitters: PubMed 17576681; PubMed 9536098.

NM_032801.5(JAM3):c.142+4_142+7del

Gene: JAM3 (junctional adhesion molecule 3; plus strand). Cytogenetic location: 11q25.
Variant type: Microsatellite.
Coding change: c.142+4_142+7del on transcript NM_032801.5 (MANE Select); bases 4 to 7 of the intron after coding-DNA position 142, 4 bases deleted (AGTA; older notation c.142+4_142+7delAGTA).
Molecular consequence: splice donor variant.
Genome position (GRCh38, 1-based): chr11:134,139,920-134,139,923, AGTA deleted; deleting any 4 consecutive bases within chr11:134,139,915-134,139,923 gives the same sequence; the c. name uses the placement nearest the transcript's 3' end. VCF-style (leftmost placement, unchanged base first): chr11-134139914-AAAGT-A. GRCh37 (hg19) VCF-style: chr11-134009809-AAAGT-A.
Other names: c.142+4_142+7del (NM_001205329.2).
Identifiers: ClinVar variation 1915311 (VCV001915311.5), dbSNP rs776667136, ClinGen allele CA6369915.